The following is an entry in ClinVar:

NM_000257.4(MYH7):c.535G>A (p.Glu179Lys)

Gene: MYH7 (myosin heavy chain 7; minus strand). Cytogenetic location: 14q11.2.
Variant type: single nucleotide variant.
Coding change: c.535G>A on transcript NM_000257.4 (MANE Select); coding-DNA position 535, G replaced by A.
Protein change: p.Glu179Lys; replaces glutamic acid 179 with lysine.
Molecular consequence: missense variant.
Genome position (GRCh38, 1-based): chr14:23,431,865, C>T on the plus strand (G>A on the coding strand, the complement: MYH7 is on the minus strand). VCF-style: chr14-23431865-C-T. GRCh37 (hg19) VCF-style: chr14-23901074-C-T.
Other names: short protein forms E179K.
Identifiers: ClinVar variation 935358 (VCV000935358.10), dbSNP rs1445208076, ClinGen allele CA389052597.

ClinVar aggregate classification (germline): Uncertain significance. Review status: criteria provided, multiple submitters, no conflicts (2 of 4 stars). 2 submissions from 2 submitters: Uncertain significance (2). Last evaluated 2024-04-25.

Conditions:
Cardiomyopathy (CMYO). Also called: Cardiomyopathies. Identifiers: Orphanet 167848, MedGen C0878544, MONDO:0004994, HP:0001638. Inheritance: Various modes of inheritance.
Hypertrophic cardiomyopathy. Also called: HYPERTROPHIC MYOCARDIOPATHY. Identifiers: Orphanet 217569, MedGen C0007194, MeSH D002312, MONDO:0005045, HP:0001639.

Submissions (2):

All of Us Research Program, National Institutes of Health
Classification: Uncertain significance for Cardiomyopathy. Last evaluated: 2024-04-25. Review status: criteria provided, single submitter. Criteria: ACMG Guidelines, 2015. Collection method: clinical testing. Allele origin: germline. Inheritance: Autosomal dominant inheritance. Observed: 1 variant allele, 1 heterozygote.
Comment: This missense variant replaces glutamic acid with lysine at codon 179 of the MYH7 protein. Computational prediction suggests that this variant may have deleterious impact on protein structure and function (internally defined REVEL score threshold >= 0.7, PMID: 27666373). To our knowledge, functional studies have not been reported for this variant. This variant has not been reported in individuals affected with MYH7-related disorders in the literature. This variant has not been identified in the general population by the Genome Aggregation Database (gnomAD). The available evidence is insufficient to determine the role of this variant in disease conclusively. Therefore, this variant is classified as a Variant of Uncertain Significance.

This study involves interpretation of variants in research participants for the purpose of population health screening. Participant phenotype was not available at the time of variant classification. Additional details can be found in publication PMID: 35346344, PMCID: PMC8962531

Labcorp Genetics (formerly Invitae), Labcorp
Classification: Uncertain significance for Hypertrophic cardiomyopathy. Last evaluated: 2019-09-12. Review status: criteria provided, single submitter. Criteria: Invitae Variant Classification Sherloc (09022015). Collection method: clinical testing. Allele origin: germline.
Comment: This variant is not present in population databases (ExAC no frequency). This sequence change replaces glutamic acid with lysine at codon 179 of the MYH7 protein (p.Glu179Lys). The glutamic acid residue is highly conserved and there is a small physicochemical difference between glutamic acid and lysine. In summary, the available evidence is currently insufficient to determine the role of this variant in disease. Therefore, it has been classified as a Variant of Uncertain Significance. Algorithms developed to predict the effect of missense changes on protein structure and function are either unavailable or do not agree on the potential impact of this missense change (SIFT: "Deleterious"; PolyPhen-2: "Possibly Damaging"; Align-GVGD: "Class C0"). This variant has not been reported in the literature in individuals with MYH7-related conditions.